The following is an entry in ClinVar:

ClinVar aggregate classification (germline): Uncertain significance (1 of 4 stars; one submission).

Conditions:
Cardiovascular phenotype. Identifiers: MedGen CN230736.

gnomAD v4.1: 2 of 1,614,100 alleles (0.00012%); highest among the groups gnomAD compares: African/African-American, 0.0013%; no homozygotes.

Submission:

Ambry Genetics
Classification: Uncertain significance for Cardiovascular phenotype. Last evaluated: 2025-02-20. Review status: criteria provided, single submitter. Criteria: Ambry Variant Classification Scheme 2023. Collection method: clinical testing. Allele origin: germline.
Comment: The p.H1866R variant (also known as c.5597A>G), located in coding exon 26 of the APOB gene, results from an A to G substitution at nucleotide position 5597. The histidine at codon 1866 is replaced by arginine, an amino acid with highly similar properties. This amino acid position is conserved. In addition, this alteration is predicted to be tolerated by in silico analysis. Based on the available evidence, the clinical significance of this variant remains unclear.

NM_000384.3(APOB):c.5597A>G (p.His1866Arg)

Gene: APOB (apolipoprotein B; minus strand). Cytogenetic location: 2p24.1.
Variant type: single nucleotide variant.
Coding change: c.5597A>G on transcript NM_000384.3 (MANE Select); coding-DNA position 5597, A replaced by G.
Protein change: p.His1866Arg; replaces histidine 1866 with arginine.
Molecular consequence: missense variant.
Genome position (GRCh38, 1-based): chr2:21,011,271, T>C on the plus strand (A>G on the coding strand, the complement: APOB is on the minus strand). VCF-style: chr2-21011271-T-C. GRCh37 (hg19) VCF-style: chr2-21234143-T-C.
Other names: short protein forms H1866R.
Identifiers: ClinVar variation 3885305 (VCV003885305.1).
Genomic context (GRCh38, chr2:21,011,271, plus strand): 5'-TTATAGTTTGTGCTCATGTCAATGGCTGAAGCCAGCCCAGCGATGTCTGTGTTGAGCCGA[T>C]GGCTAAACTCCACACCCTGAACCTTAGCAACAGTGTCTGCTTTATAGCTTGCTGATAAGG-3'
Protein context (NP_000375.3, residues 1856-1876): VAKVQGVEFS[His1866Arg]RLNTDIAGLA